The following is an entry in ClinVar:

NM_000384.3(APOB):c.7025A>G (p.His2342Arg)

Gene: APOB (apolipoprotein B; minus strand). Cytogenetic location: 2p24.1.
Variant type: single nucleotide variant.
Coding change: c.7025A>G on transcript NM_000384.3 (MANE Select); coding-DNA position 7025, A replaced by G.
Protein change: p.His2342Arg; replaces histidine 2342 with arginine.
Molecular consequence: missense variant.
Genome position (GRCh38, 1-based): chr2:21,009,843, T>C on the plus strand (A>G on the coding strand, the complement: APOB is on the minus strand). VCF-style: chr2-21009843-T-C. GRCh37 (hg19) VCF-style: chr2-21232715-T-C.
Other names: short protein forms H2342R.
Identifiers: ClinVar variation 3231444 (VCV003231444.2), dbSNP rs1380450656, ClinGen allele CA345999824.

ClinVar aggregate classification (germline): Uncertain significance. Review status: criteria provided, multiple submitters, no conflicts (2 of 4 stars). 2 submissions from 2 submitters: Uncertain significance (2). Last evaluated 2025-07-24.

Conditions:
Cardiovascular phenotype. Identifiers: MedGen CN230736.

Allele frequency attached by ClinVar (database versions not stated): gnomAD 0.00001.
gnomAD v4.1: 2 of 1,613,962 alleles (0.00012%); highest among the groups gnomAD compares: African/African-American, 0.0013%; no homozygotes.

Submissions (2):

GeneDx
Classification: Uncertain significance. Last evaluated: 2025-07-24. Review status: criteria provided, single submitter. Criteria: GeneDx Variant Classification Process June 2021. Collection method: clinical testing. Allele origin: germline. Affected: yes.
Comment: Not observed at significant frequency in large population cohorts (gnomAD); In silico analysis supports that this missense variant has a deleterious effect on protein structure/function; Has not been previously published as pathogenic or benign to our knowledge

Ambry Genetics
Classification: Uncertain significance for Cardiovascular phenotype. Last evaluated: 2024-01-23. Review status: criteria provided, single submitter. Criteria: Ambry Variant Classification Scheme 2023. Collection method: clinical testing. Allele origin: germline.
Comment: The p.H2342R variant (also known as c.7025A>G), located in coding exon 26 of the APOB gene, results from an A to G substitution at nucleotide position 7025. The histidine at codon 2342 is replaced by arginine, an amino acid with highly similar properties. This amino acid position is conserved. In addition, this alteration is predicted to be tolerated by in silico analysis. Based on the available evidence, the clinical significance of this alteration remains unclear.